The following is an entry in ClinVar:

NM_006031.6(PCNT):c.4429C>T (p.Gln1477Ter)

Gene: PCNT (pericentrin; plus strand). Cytogenetic location: 21q22.3.
Variant type: single nucleotide variant.
Coding change: c.4429C>T on transcript NM_006031.6 (MANE Select); coding-DNA position 4429, C replaced by T.
Protein change: p.Gln1477Ter; replaces glutamine 1477 with a stop codon.
Molecular consequence: nonsense.
Genome position (GRCh38, 1-based): chr21:46,397,477, C>T. VCF-style: chr21-46397477-C-T. GRCh37 (hg19) VCF-style: chr21-47817391-C-T.
Other names: c.4075C>T, p.Gln1359Ter (NM_001315529.2); short protein forms Q1477*, Q1359*.
Identifiers: ClinVar variation 2701550 (VCV002701550.3), dbSNP rs2518609787, ClinGen allele CA410579043.
Genomic context (GRCh38, chr21:46,397,477, plus strand): 5'-GCGGAGGCCGTCACTGCCCTGGAACAGCAGGTGGCATCTCTGGACAAGCATTTGCGCAAC[C>T]AGCGGCAATTCATGGATGTAAGAATTCTGAATAATACATTTTTTTGCATCACTAAAAGTT-3'

ClinVar aggregate classification (germline): Pathogenic (1 of 4 stars; one submission).

Submission:

Labcorp Genetics (formerly Invitae), Labcorp
Classification: Pathogenic. Last evaluated: 2023-12-09. Review status: criteria provided, single submitter. Criteria: Invitae Variant Classification Sherloc (09022015). Collection method: clinical testing. Allele origin: germline.
Comment: This sequence change creates a premature translational stop signal (p.Gln1477*) in the PCNT gene. It is expected to result in an absent or disrupted protein product. Loss-of-function variants in PCNT are known to be pathogenic (PMID: 18174396, 22821869). This variant is not present in population databases (gnomAD no frequency). This variant has not been reported in the literature in individuals affected with PCNT-related conditions. For these reasons, this variant has been classified as Pathogenic.

Literature cited by the submitters: PubMed 18174396; PubMed 22821869.